The following is an entry in ClinVar:

ClinVar aggregate classification (germline): Uncertain significance. Review status: criteria provided, multiple submitters, no conflicts (2 of 4 stars). 2 submissions from 2 submitters: Uncertain significance (2). Last evaluated 2024-05-10.

Conditions:
Sialic acid storage disease, severe infantile type (ISSD). Also called: SIALURIA, INFANTILE FORM; Free sialic acid storage disease, infantile form; Infantile Sialic Acid Storage Disease; INFANTILE SIALIC ACID STORAGE DISORDER; N-ACETYLNEURAMINIC ACID STORAGE DISEASE; NANA STORAGE DISEASE. Identifiers: Orphanet 309324, Orphanet 834, MedGen C1096902, MONDO:0010027, OMIM 269920.
Salla disease (SD). Also called: Less Severe FSASD (Salla Disease); Sialuria, Finnish type; N-acetylneuraminic acid (NANA) storage disease (NSD); Infantile sialic acid storage disorder (ISSD). Identifiers: Orphanet 309334, Orphanet 834, MedGen C1096903, MONDO:0011449, OMIM 604369.

Allele frequency attached by ClinVar (database versions not stated): gnomAD exomes below 0.00001; gnomAD 0.00001.
gnomAD v4.1: 2 of 1,613,770 alleles (0.00012%); highest among the groups gnomAD compares: Admixed American, 0.0033%; no homozygotes.

Submissions (2):

Fulgent Genetics
Classification: Uncertain significance for Sialic acid storage disease, severe infantile type; Salla disease. Last evaluated: 2024-05-10. Review status: criteria provided, single submitter. Criteria: ACMG Guidelines, 2015. Collection method: clinical testing. Allele origin: germline.

Labcorp Genetics (formerly Invitae), Labcorp
Classification: Uncertain significance for Salla disease. Last evaluated: 2024-02-23. Review status: criteria provided, single submitter. Criteria: Invitae Variant Classification Sherloc (09022015). Collection method: clinical testing. Allele origin: germline.
Comment: This sequence change replaces lysine, which is basic and polar, with arginine, which is basic and polar, at codon 197 of the SLC17A5 protein (p.Lys197Arg). This variant is not present in population databases (gnomAD no frequency). This variant has not been reported in the literature in individuals affected with SLC17A5-related conditions. ClinVar contains an entry for this variant (Variation ID: 2138823). Advanced modeling of protein sequence and biophysical properties (such as structural, functional, and spatial information, amino acid conservation, physicochemical variation, residue mobility, and thermodynamic stability) performed at Invitae indicates that this missense variant is not expected to disrupt SLC17A5 protein function with a negative predictive value of 80%. In summary, the available evidence is currently insufficient to determine the role of this variant in disease. Therefore, it has been classified as a Variant of Uncertain Significance.

NM_012434.5(SLC17A5):c.590A>G (p.Lys197Arg)

Gene: SLC17A5 (solute carrier family 17 member 5; minus strand). Cytogenetic location: 6q13.
Variant type: single nucleotide variant.
Coding change: c.590A>G on transcript NM_012434.5 (MANE Select); coding-DNA position 590, A replaced by G.
Protein change: p.Lys197Arg; replaces lysine 197 with arginine.
Molecular consequence: missense variant.
Genome position (GRCh38, 1-based): chr6:73,638,435, T>C on the plus strand (A>G on the coding strand, the complement: SLC17A5 is on the minus strand). VCF-style: chr6-73638435-T-C. GRCh37 (hg19) VCF-style: chr6-74348158-T-C.
Other names: c.359A>G, p.Lys120Arg (NM_001382629.1, NM_001382636.1); c.590A>G, p.Lys197Arg (NM_001382630.1, NM_001382632.1, NM_001382633.1 and 2 more transcripts); c.611A>G, p.Lys204Arg (NM_001382631.1); short protein forms K204R, K197R, K120R.
Identifiers: ClinVar variation 2138823 (VCV002138823.4), dbSNP rs1769125401, ClinGen allele CA364716748.
Genomic context (GRCh38, chr6:73,638,435, plus strand): 5'-AACATATTACAGCAAAATTTGGTAATTGTTATCTCACCTGCATATGAAATGCTAAGAAGT[T>C]TGCTTCTTTCAAGAGGGGGAGCCCAAGAAGACCACATGGCATGCATGGCTGGAAATGTAA-3'
Protein context (NP_036566.1, residues 187-207): SSWAPPLERS[Lys197Arg]LLSISYAGAQ